The following is an entry in ClinVar:

ClinVar aggregate classification (germline): Uncertain significance. Review status: criteria provided, multiple submitters, no conflicts (2 of 4 stars). 2 submissions from 2 submitters: Uncertain significance (2). Last evaluated 2024-05-14.

Conditions:
Familial hypercholesterolemia. Also called: Familial hypercholesterolemias; Familial hypercholesterolaemia. Identifiers: MedGen C0020445, MONDO:0005439.
Hypercholesterolemia, autosomal dominant, 3 (FHCL3). Also called: Familial hypercholesterolemia 3; Familial Hypercholesterolemia, Autosomal Dominant, 3; PCSK9-Related Familial Hypercholesterolemia, Autosomal Dominant. Identifiers: MedGen C1863551, MONDO:0011369, OMIM 603776.

Allele frequency attached by ClinVar (database versions not stated): gnomAD exomes below 0.00001.
gnomAD v4.1: 1 of 1,614,132 alleles (0.000062%); highest among the groups gnomAD compares: East Asian, 0.0022%; no homozygotes.

Submissions (2):

All of Us Research Program, National Institutes of Health
Classification: Uncertain significance for Hypercholesterolemia, autosomal dominant, 3. Last evaluated: 2024-05-14. Review status: criteria provided, single submitter. Criteria: ACMG Guidelines, 2015. Collection method: clinical testing. Allele origin: germline. Inheritance: Autosomal dominant inheritance. Observed: 1 variant allele, 1 heterozygote.
Comment: Variant of Uncertain Significance due to insufficient evidence: This missense variant is located in the catalytic peptidase domain of the PCSK9 protein. Computational prediction tools and conservation analyses suggest that this variant may not impact the protein function. Computational splicing tools suggest that this variant may not impact RNA splicing. To our knowledge, functional assays have not been performed for this variant nor has this variant been reported in individuals affected with familial hypercholesterolemia in the literature. This variant is rare in the general population and has been identified in 0/277264 chromosomes by the Genome Aggregation Database (gnomAD). Available evidence is insufficient to determine the pathogenicity of this variant conclusively.

This study involves interpretation of variants in research participants for the purpose of population health screening. Participant phenotype was not available at the time of variant classification. Additional details can be found in publication PMID: 35346344, PMCID: PMC8962531

Color Diagnostics, LLC DBA Color Health
Classification: Uncertain significance for Familial hypercholesterolemia. Last evaluated: 2023-12-05. Review status: criteria provided, single submitter. Criteria: ACMG Guidelines, 2015. Collection method: clinical testing. Allele origin: germline.
Comment: Variant of Uncertain Significance due to insufficient evidence: This missense variant is located in the catalytic peptidase domain of the PCSK9 protein. Computational prediction tools and conservation analyses suggest that this variant may not impact the protein function. Computational splicing tools suggest that this variant may not impact RNA splicing. To our knowledge, functional assays have not been performed for this variant nor has this variant been reported in individuals affected with familial hypercholesterolemia in the literature. This variant is rare in the general population and has been identified in 0/277264 chromosomes by the Genome Aggregation Database (gnomAD). Available evidence is insufficient to determine the pathogenicity of this variant conclusively.

NM_174936.4(PCSK9):c.1096G>A (p.Glu366Lys)

Gene: PCSK9 (proprotein convertase subtilisin/kexin type 9; plus strand). Cytogenetic location: 1p32.3.
Variant type: single nucleotide variant.
Coding change: c.1096G>A on transcript NM_174936.4 (MANE Select); coding-DNA position 1096, G replaced by A.
Protein change: p.Glu366Lys; replaces glutamic acid 366 with lysine.
Molecular consequence: missense variant.
Genome position (GRCh38, 1-based): chr1:55,057,430, G>A. VCF-style: chr1-55057430-G-A. GRCh37 (hg19) VCF-style: chr1-55523103-G-A.
Other names: c.1219G>A, p.Glu407Lys (NM_001407240.1); c.1096G>A, p.Glu366Lys (NM_001407241.1, NM_001407244.1, NM_001407247.1); c.1099G>A, p.Glu367Lys (NM_001407242.1); c.1039G>A, p.Glu347Lys (NM_001407243.1); c.904G>A, p.Glu302Lys (NM_001407245.1); c.721G>A, p.Glu241Lys (NM_001407246.1); short protein forms E366K, E347K, E302K, E367K, E241K, E407K.
Identifiers: ClinVar variation 924042 (VCV000924042.7), dbSNP rs1644723918, ClinGen allele CA340476640.
Genomic context (GRCh38, chr1:55,057,430, plus strand): 5'-GTGACCCTGGGGACTTTGGGGACCAACTTTGGCCGCTGTGTGGACCTCTTTGCCCCAGGG[G>A]AGGACATCATTGGTGCCTCCAGCGACTGCAGCACCTGCTTTGTGTCACAGAGTGGGACAT-3'
Protein context (NP_777596.2, residues 356-376): GRCVDLFAPG[Glu366Lys]DIIGASSDCS